The following is an entry in ClinVar:

NM_018714.3(COG1):c.1108C>T (p.Leu370Phe)

Genes: COG1 (component of oligomeric golgi complex 1; plus strand), LOC126862634 (CDK7 strongly-dependent group 2 enhancer GRCh37_chr17:71195948-71197147; plus strand). Cytogenetic location: 17q25.1.
Variant type: single nucleotide variant.
Coding change: c.1108C>T on transcript NM_018714.3 (MANE Select); coding-DNA position 1108, C replaced by T.
Protein change: p.Leu370Phe; replaces leucine 370 with phenylalanine.
Molecular consequence: missense variant.
Genome position (GRCh38, 1-based): chr17:73,200,603, C>T. VCF-style: chr17-73200603-C-T. GRCh37 (hg19) VCF-style: chr17-71196742-C-T.
Other names: short protein forms L370F.
Identifiers: ClinVar variation 1487352 (VCV001487352.3), dbSNP rs1429642320, ClinGen allele CA400889638.
Genomic context (GRCh38, chr17:73,200,603, plus strand): 5'-CAAAGAACATGATTCTGTTGCAGGTGTAATGAAGACATTAAAAATGGGATCACCAACCTG[C>T]TCATGTACGTGAAGAGCATGAAGGGTCTCGCGGGAATCCGGGACGCCATGTGGGAGTTAC-3'
Protein context (NP_061184.1, residues 360-380): EDIKNGITNL[Leu370Phe]MYVKSMKGLA

ClinVar aggregate classification (germline): Uncertain significance (1 of 4 stars; one submission).

Conditions:
COG1 congenital disorder of glycosylation (CDG2G). Also called: CONGENITAL DISORDER OF GLYCOSYLATION, TYPE IIg; CDG IIg; CDGII/COG1 CEREBROCOSTOMANDIBULAR-LIKE SYNDROME. Identifiers: Orphanet 263508, MedGen C2931011, MONDO:0012637, OMIM 611209.

Allele frequency attached by ClinVar (database versions not stated): gnomAD exomes 0.00001; TOPMed 0.00002.
gnomAD v4.1: 11 of 1,614,170 alleles (0.00068%); highest among the groups gnomAD compares: Non-Finnish European, 0.00093%; no homozygotes.

Submission:

Labcorp Genetics (formerly Invitae), Labcorp
Classification: Uncertain significance for COG1 congenital disorder of glycosylation. Last evaluated: 2022-10-24. Review status: criteria provided, single submitter. Criteria: Invitae Variant Classification Sherloc (09022015). Collection method: clinical testing. Allele origin: germline.
Comment: This sequence change replaces leucine, which is neutral and non-polar, with phenylalanine, which is neutral and non-polar, at codon 370 of the COG1 protein (p.Leu370Phe). This variant is present in population databases (no rsID available, gnomAD 0.002%). This variant has not been reported in the literature in individuals affected with COG1-related conditions. ClinVar contains an entry for this variant (Variation ID: 1487352). Advanced modeling of protein sequence and biophysical properties (such as structural, functional, and spatial information, amino acid conservation, physicochemical variation, residue mobility, and thermodynamic stability) performed at Invitae indicates that this missense variant is expected to disrupt COG1 protein function. In summary, the available evidence is currently insufficient to determine the role of this variant in disease. Therefore, it has been classified as a Variant of Uncertain Significance.